The following is an entry in ClinVar:

ClinVar aggregate classification (germline): Likely pathogenic (1 of 4 stars; one submission).

Conditions:
Primary dilated cardiomyopathy (DCM). Also called: Dilated Cardiomyopathy. Identifiers: Orphanet 217604, MedGen C0007193, MeSH D002311, MONDO:0005021, HP:0001644. Inheritance: Various modes of inheritance.

Submission:

Laboratory for Molecular Medicine, Mass General Brigham Personalized Medicine
Classification: Likely pathogenic for Primary dilated cardiomyopathy. Last evaluated: 2019-02-22. Review status: criteria provided, single submitter. Criteria: ACMG Guidelines, 2015. Collection method: clinical testing. Allele origin: germline.
Comment: The p.Gln22335X variant in TTN has not been previously reported in individuals with DCM and was absent from large population studies. This nonsense variant leads to a premature termination codon at position 22335, which is predicted to lead to a truncated or absent protein. Nonsense and other truncating variants in TTN are strongly associated with DCM if they impact the exons encoding for the A-band (Herman 2012, Pugh 2014) and/or are located in an exon that is highly expressed in the heart (Roberts 2015). The p.Gln22335X variant is located in the A-band. In summary, although additional studies are required to fully establish its clinical significance, this variant meets criteria to be classified as likely pathogenic for autosomal dominant DCM. ACMG/AMP Criteria applied: PVS1, PM2.

NM_001267550.2(TTN):c.74707C>T (p.Gln24903Ter)

Genes: TTN (titin; minus strand), TTN-AS1 (TTN antisense RNA 1; plus strand). Cytogenetic location: 2q31.2.
Variant type: single nucleotide variant.
Coding change: c.74707C>T on transcript NM_001267550.2 (MANE Select); coding-DNA position 74707, C replaced by T.
Protein change: p.Gln24903Ter; replaces glutamine 24903 with a stop codon.
Molecular consequence: nonsense. On other transcripts: non-coding transcript variant (1).
Genome position (GRCh38, 1-based): chr2:178,571,425, G>A on the plus strand (C>T on the coding strand, the complement: TTN is on the minus strand). VCF-style: chr2-178571425-G-A. GRCh37 (hg19) VCF-style: chr2-179436152-G-A.
Other names: c.69784C>T, p.Gln23262Ter (NM_001256850.1); c.47512C>T, p.Gln15838Ter (NM_003319.4); c.67003C>T, p.Gln22335Ter (NM_133378.4); c.47887C>T, p.Gln15963Ter (NM_133432.3); c.48088C>T, p.Gln16030Ter (NM_133437.4); short protein forms Q15838*, Q15963*, Q16030*, Q22335*, Q23262*, Q24903*.
Identifiers: ClinVar variation 3075745 (VCV003075745.1), dbSNP rs2468493413, ClinGen allele CA349631899.
Genomic context (GRCh38, chr2:178,571,425, plus strand): 5'-CCCTGGAGGACAGTGTGACAACTGGAGTGCCAGGAGGACCAGGAACTTTGAATGGATATT[G>A]GGCTACAGTAGGCTCTGAATTGAGGTAGGTACTCTTCCCATATCTGTTTTCAGCTGCAAT-3'